The following is an entry in ClinVar:

NM_001267550.2(TTN):c.94827C>T (p.Tyr31609=)

Genes: TTN (titin; minus strand), TTN-AS1 (TTN antisense RNA 1; plus strand). Cytogenetic location: 2q31.2.
Variant type: single nucleotide variant.
Coding change: c.94827C>T on transcript NM_001267550.2 (MANE Select); coding-DNA position 94827, C replaced by T.
Protein change: p.Tyr31609=; no amino-acid change (tyrosine 31609 retained).
Molecular consequence: synonymous variant.
Genome position (GRCh38, 1-based): chr2:178,546,601, G>A on the plus strand (C>T on the coding strand, the complement: TTN is on the minus strand). VCF-style: chr2-178546601-G-A. GRCh37 (hg19) VCF-style: chr2-179411328-G-A.
Other names: c.89904C>T, p.Tyr29968= (NM_001256850.1); c.67632C>T, p.Tyr22544= (NM_003319.4); c.87123C>T, p.Tyr29041= (NM_133378.4); c.68007C>T, p.Tyr22669= (NM_133432.3); c.68208C>T, p.Tyr22736= (NM_133437.4).
Identifiers: ClinVar variation 405026 (VCV000405026.12), dbSNP rs771635198, ClinGen allele CA1987073.

ClinVar aggregate classification (germline): Conflicting classifications of pathogenicity. Review status: criteria provided, conflicting classifications (1 of 4 stars). 5 submissions from 5 submitters: Uncertain significance (4); Likely benign (1). Last evaluated 2022-05-20.

Conditions:
Cardiovascular phenotype. Identifiers: MedGen CN230736.
Autosomal recessive limb-girdle muscular dystrophy type 2J (LGMDR10). Also called: MUSCULAR DYSTROPHY, LIMB-GIRDLE, AUTOSOMAL RECESSIVE 10; Limb-girdle muscular dystrophy, type 2J. Identifiers: Orphanet 140922, MedGen C1837342, MONDO:0012127, OMIM 608807.
Dilated cardiomyopathy 1G (CMD1G). Identifiers: Orphanet 154, MedGen C1858763, MONDO:0011400, OMIM 604145.
Myopathy, myofibrillar, 9, with early respiratory failure (MFM9). Also called: Myopathy, distal, with early respiratory failure, autosomal dominant; Hereditary myopathy with early respiratory failure; EDSTROM MYOPATHY; MYOPATHY, PROXIMAL, WITH EARLY RESPIRATORY MUSCLE INVOLVEMENT. Identifiers: Orphanet 178464, Orphanet 34521, MedGen C1863599, MONDO:0011362, OMIM 603689.
Tibial muscular dystrophy (TMD). Also called: UDD MYOPATHY; Tibial muscular dystrophy, tardive; Udd Distal Myopathy – Tibial Muscular Dystrophy. Identifiers: Orphanet 609, MedGen C1838244, MONDO:0010870, OMIM 600334.
Early-onset myopathy with fatal cardiomyopathy (CMYO5). Also called: Salih Myopathy; CONGENITAL MYOPATHY 5 WITH CARDIOMYOPATHY. Identifiers: Orphanet 289377, MedGen C2673677, MONDO:0012714, OMIM 611705. Disease mechanism: loss of function.
Hypertrophic cardiomyopathy 9. Also called: Familial hypertrophic cardiomyopathy 9. Identifiers: MedGen C1861065, MONDO:0013412, OMIM 613765.

Allele frequency attached by ClinVar (database versions not stated): ExAC 0.00001; gnomAD exomes 0.00001 and 0.00002; gnomAD 0.00008 and 0.00009; TOPMed 0.00019.
gnomAD v4.1: 28 of 1,607,208 alleles (0.0017%); highest among the groups gnomAD compares: Admixed American, 0.018%; no homozygotes.

Submissions (5):

Fulgent Genetics
Classification: Uncertain significance for Tibial muscular dystrophy; Myopathy, myofibrillar, 9, with early respiratory failure; Dilated cardiomyopathy 1G; Autosomal recessive limb-girdle muscular dystrophy type 2J; Early-onset myopathy with fatal cardiomyopathy; Hypertrophic cardiomyopathy 9. Last evaluated: 2022-05-20. Review status: criteria provided, single submitter. Criteria: ACMG Guidelines, 2015. Collection method: clinical testing. Allele origin: unknown.

Ambry Genetics
Classification: Likely benign for Cardiovascular phenotype. Last evaluated: 2022-05-16. Review status: criteria provided, single submitter. Criteria: Ambry Variant Classification Scheme 2023. Collection method: clinical testing. Allele origin: germline.

GeneDx
Classification: Uncertain significance. Last evaluated: 2020-01-24. Review status: criteria provided, single submitter. Criteria: GeneDx Variant Classification Process June 2021. Collection method: clinical testing. Allele origin: germline. Affected: yes.
Comment: Has not been previously published as pathogenic or benign to our knowledge; Not observed at a significant frequency in large population cohorts (Lek et al., 2016); Reported in ClinVar as a variant of uncertain significance (ClinVar Variant ID# 405026; Landrum et al., 2016); Located in the second to last nucleotide base of exon 291; In-silico analysis, which includes splice predictors and evolutionary conservation, is inconclusive as to whether the variant alters gene splicing; in the absence of RNA/functional studies, the actual effect of this sequence change is unknown; Located in the A-band region of titin, where the majority of truncating pathogenic variants associated with DCM have been reported (Herman et al., 2012)

Labcorp Genetics (formerly Invitae), Labcorp
Classification: Uncertain significance for Dilated cardiomyopathy 1G; Autosomal recessive limb-girdle muscular dystrophy type 2J. Last evaluated: 2017-05-16. Review status: criteria provided, single submitter. Criteria: Invitae Variant Classification Sherloc (09022015). Collection method: clinical testing. Allele origin: germline.

Eurofins Ntd Llc (ga)
Classification: Uncertain significance. Last evaluated: 2017-01-11. Review status: criteria provided, single submitter. Criteria: EGL Classification Definitions 2015. Collection method: clinical testing. Allele origin: germline. Observed: 1 variant allele, 1 heterozygote.